The following is an entry in ClinVar:

NM_001145304.2(IQCN):c.4044G>A (p.Ala1348=)

Gene: IQCN (IQ motif containing N; minus strand). Cytogenetic location: 19p13.11.
Variant type: single nucleotide variant.
Coding change: c.4044G>A on transcript NM_001145304.2 (MANE Select); coding-DNA position 4044, G replaced by A.
Protein change: p.Ala1348=; no amino-acid change (alanine 1348 retained).
Molecular consequence: synonymous variant.
Genome position (GRCh38, 1-based): chr19:18,257,240, C>T on the plus strand (G>A on the coding strand, the complement: IQCN is on the minus strand). VCF-style: chr19-18257240-C-T. GRCh37 (hg19) VCF-style: chr19-18368050-C-T.
Other names: c.3345G>A, p.Ala1115= (NM_001145305.2); c.3483G>A, p.Ala1161= (NM_025249.4).
Identifiers: ClinVar variation 4281059 (VCV004281059.7).

ClinVar aggregate classification (germline): Likely benign (1 of 4 stars; one submission).

Submission:

CeGaT Center for Human Genetics Tuebingen
Classification: Likely benign. Last evaluated: 2025-09-01. Review status: criteria provided, single submitter. Criteria: CeGaT Center For Human Genetics Tuebingen Variant Classification Criteria Version 2. Collection method: clinical testing. Allele origin: germline. Affected: yes. Observed: 1 variant allele.
Comment: IQCN: BP4, BP7